The following is an entry in ClinVar:

ClinVar aggregate classification (germline): Uncertain significance (1 of 4 stars; one submission).

Conditions:
Neuronal ceroid lipofuscinosis. Also called: Neuronal Ceroid Lipofuscinoses. Identifiers: Orphanet 216, Orphanet 79263, MedGen C0027877, MONDO:0016295. Disease mechanism: loss of function.

Allele frequency attached by ClinVar (database versions not stated): gnomAD exomes 0.00001.
gnomAD v4.1: 9 of 1,614,192 alleles (0.00056%); highest among the groups gnomAD compares: South Asian, 0.0011%; no homozygotes.

Submission:

Labcorp Genetics (formerly Invitae), Labcorp
Classification: Uncertain significance for Neuronal ceroid lipofuscinosis. Last evaluated: 2022-01-13. Review status: criteria provided, single submitter. Criteria: Invitae Variant Classification Sherloc (09022015). Collection method: clinical testing. Allele origin: germline.
Comment: Advanced modeling of protein sequence and biophysical properties (such as structural, functional, and spatial information, amino acid conservation, physicochemical variation, residue mobility, and thermodynamic stability) performed at Invitae indicates that this missense variant is not expected to disrupt CLN8 protein function. In summary, the available evidence is currently insufficient to determine the role of this variant in disease. Therefore, it has been classified as a Variant of Uncertain Significance. This variant has not been reported in the literature in individuals affected with CLN8-related conditions. This variant is present in population databases (no rsID available, gnomAD 0.0009%). This sequence change replaces alanine, which is neutral and non-polar, with valine, which is neutral and non-polar, at codon 79 of the CLN8 protein (p.Ala79Val).

NM_018941.4(CLN8):c.236C>T (p.Ala79Val)

Gene: CLN8 (CLN8 transmembrane ER and ERGIC protein; plus strand). Cytogenetic location: 8p23.3.
Variant type: single nucleotide variant.
Coding change: c.236C>T on transcript NM_018941.4 (MANE Select); coding-DNA position 236, C replaced by T.
Protein change: p.Ala79Val; replaces alanine 79 with valine.
Molecular consequence: missense variant.
Genome position (GRCh38, 1-based): chr8:1,771,290, C>T. VCF-style: chr8-1771290-C-T. GRCh37 (hg19) VCF-style: chr8-1719456-C-T.
Other names: short protein forms A79V.
Identifiers: ClinVar variation 2081800 (VCV002081800.4), dbSNP rs1283302419, ClinGen allele CA369953149.